The following is an entry in ClinVar:

ClinVar aggregate classification (germline): Likely benign (0 of 4 stars; one submission).

Conditions:
H19-related disorder. Also called: H19-related condition.

Allele frequency attached by ClinVar (database versions not stated): 1000 Genomes Project 0.00100; ExAC 0.00020; ESP Exome Variant Server 0.00105.

Submission:

PreventionGenetics, part of Exact Sciences
Classification: Likely benign for H19-related condition. Last evaluated: 2022-07-06. Review status: no assertion criteria provided. Collection method: clinical testing. Allele origin: germline.
Comment: This variant is classified as likely benign based on ACMG/AMP sequence variant interpretation guidelines (Richards et al. 2015 PMID: 25741868, with internal and published modifications).

NR_002196.3(H19):n.2054G>A

Genes: HOTS (H19 opposite tumor suppressor; plus strand), MRPL23 (mitochondrial ribosomal protein L23; plus strand), H19 (H19 imprinted maternally expressed transcript; minus strand). Cytogenetic location: 11p15.5.
Variant type: single nucleotide variant.
Molecular consequence: non-coding transcript variant (on NR_002196.3). On other transcripts: intron variant (1).
Genome position: GRCh38 VCF-style: chr11-1995437-C-T. GRCh37 (hg19) VCF-style: chr11-2016667-C-T.
Other names: c.498-16104C>T (NM_001400176.1).
Identifiers: ClinVar variation 3051583 (VCV003051583.2), dbSNP rs72556551, ClinGen allele CA5817156.